The following is an entry in ClinVar:

NM_000051.4(ATM):c.49C>G (p.His17Asp)

Gene: ATM (ATM serine/threonine kinase; plus strand). Cytogenetic location: 11q22.3.
Variant type: single nucleotide variant.
Coding change: c.49C>G on transcript NM_000051.4 (MANE Select); coding-DNA position 49, C replaced by G.
Protein change: p.His17Asp; replaces histidine 17 with aspartic acid.
Molecular consequence: missense variant.
Genome position (GRCh38, 1-based): chr11:108,227,673, C>G. VCF-style: chr11-108227673-C-G. GRCh37 (hg19) VCF-style: chr11-108098400-C-G.
Other names: c.49C>G, p.His17Asp (NM_001351834.2, NM_001351835.2, NM_001351836.2); short protein forms H17D.
Identifiers: ClinVar variation 922974 (VCV000922974.4), dbSNP rs876658161, ClinGen allele CA382519197.

ClinVar aggregate classification (germline): Uncertain significance (1 of 4 stars; one submission).

Conditions:
Hereditary cancer-predisposing syndrome. Also called: Neoplastic Syndromes, Hereditary; Tumor predisposition; Hereditary Cancer Syndrome; Hereditary neoplastic syndrome. Identifiers: Orphanet 140162, MedGen C0027672, MeSH D009386, MONDO:0015356.

Submission:

Color Diagnostics, LLC DBA Color Health
Classification: Uncertain significance for Hereditary cancer-predisposing syndrome. Last evaluated: 2023-12-04. Review status: criteria provided, single submitter. Criteria: ACMG Guidelines, 2015. Collection method: clinical testing. Allele origin: germline.
Comment: This missense variant replaces histidine with aspartic acid at codon 17 of the ATM protein. Computational prediction suggests that this variant may not impact protein structure and function (internally defined REVEL score threshold <= 0.5, PMID: 27666373). To our knowledge, functional studies have not been reported for this variant. This variant has not been reported in individuals affected with ATM-related disorders in the literature. This variant has not been identified in the general population by the Genome Aggregation Database (gnomAD). The available evidence is insufficient to determine the role of this variant in disease conclusively. Therefore, this variant is classified as a Variant of Uncertain Significance.